The following is an entry in ClinVar:

ClinVar aggregate classification (germline): Uncertain significance. Review status: criteria provided, multiple submitters, no conflicts (2 of 4 stars). 2 submissions from 2 submitters: Uncertain significance (2). Last evaluated 2025-06-18.

Conditions:
Hereditary intrinsic factor deficiency (IFD). Also called: PERNICIOUS ANEMIA, CONGENITAL, DUE TO DEFECT OF INTRINSIC FACTOR; Congenital intrinsic factor deficiency. Identifiers: Orphanet 332, MedGen C2062370, MONDO:0009852, OMIM 261000.

Allele frequency attached by ClinVar (database versions not stated): gnomAD exomes 0.00001; ExAC 0.00006; ESP Exome Variant Server 0.00008; gnomAD 0.00015; 1000 Genomes Project 30x 0.00016; 1000 Genomes Project 0.00020.
gnomAD v4.1: 40 of 1,614,138 alleles (0.0025%); highest among the groups gnomAD compares: African/African-American, 0.037%; no homozygotes.

Submissions (2):

Ambry Genetics
Classification: Uncertain significance. Last evaluated: 2025-06-18. Review status: criteria provided, single submitter. Criteria: Ambry Variant Classification Scheme 2023. Collection method: clinical testing. Allele origin: germline.

Labcorp Genetics (formerly Invitae), Labcorp
Classification: Uncertain significance for Hereditary intrinsic factor deficiency. Last evaluated: 2022-06-02. Review status: criteria provided, single submitter. Criteria: Invitae Variant Classification Sherloc (09022015). Collection method: clinical testing. Allele origin: germline.
Comment: In summary, the available evidence is currently insufficient to determine the role of this variant in disease. Therefore, it has been classified as a Variant of Uncertain Significance. Algorithms developed to predict the effect of missense changes on protein structure and function output the following: SIFT: "Tolerated"; PolyPhen-2: "Benign"; Align-GVGD: "Class C0". The valine amino acid residue is found in multiple mammalian species, which suggests that this missense change does not adversely affect protein function. This variant has not been reported in the literature in individuals affected with GIF-related conditions. This variant is present in population databases (rs146744565, gnomAD 0.05%). This sequence change replaces isoleucine, which is neutral and non-polar, with valine, which is neutral and non-polar, at codon 333 of the GIF protein (p.Ile333Val).

NM_005142.3(CBLIF):c.997A>G (p.Ile333Val)

Gene: CBLIF (cobalamin binding intrinsic factor; minus strand). Cytogenetic location: 11q12.1.
Variant type: single nucleotide variant.
Coding change: c.997A>G on transcript NM_005142.3 (MANE Select); coding-DNA position 997, A replaced by G.
Protein change: p.Ile333Val; replaces isoleucine 333 with valine.
Molecular consequence: missense variant.
Genome position (GRCh38, 1-based): chr11:59,835,884, T>C on the plus strand (A>G on the coding strand, the complement: CBLIF is on the minus strand). VCF-style: chr11-59835884-T-C. GRCh37 (hg19) VCF-style: chr11-59603357-T-C.
Other names: c.997A>G (NM_005142.2); short protein forms I333V.
Identifiers: ClinVar variation 2199795 (VCV002199795.6), dbSNP rs146744565, ClinGen allele CA6021434.